The following is an entry in ClinVar:

ClinVar aggregate classification (germline): Benign. Review status: criteria provided, single submitter (1 of 4 stars). 3 submissions from 3 submitters: Benign (1). 2 of the submissions do not count toward it. Last evaluated 2025-07-23.

Conditions:
KMT2C-related disorder. Also called: KMT2C-related condition; KMT2C-related disorders.

Allele frequency attached by ClinVar (database versions not stated): gnomAD 0.00006 and 0.00019; TOPMed 0.00022; ESP Exome Variant Server 0.00023; ExAC 0.00031; gnomAD exomes 0.00039.
gnomAD v4.1: 305 of 1,614,086 alleles (0.019%); highest among the groups gnomAD compares: Admixed American, 0.04%; no homozygotes.

Submissions (3):

Labcorp Genetics (formerly Invitae), Labcorp
Classification: Benign. Last evaluated: 2025-07-23. Review status: criteria provided, single submitter. Criteria: Invitae Variant Classification Sherloc (09022015). Collection method: clinical testing. Allele origin: germline.

PreventionGenetics, part of Exact Sciences
Classification: Benign for KMT2C-related condition. Last evaluated: 2021-11-03. Review status: no assertion criteria provided. Collection method: clinical testing. Allele origin: germline. Not counted in ClinVar's aggregate classification.
Comment: This variant is classified as benign based on ACMG/AMP sequence variant interpretation guidelines (Richards et al. 2015 PMID: 25741868, with internal and published modifications).

ITMI
No classification provided. Condition: AllHighlyPenetrant. Last evaluated: 2013-09-19. Review status: no classification provided. Collection method: reference population. Allele origin: germline. Not counted in ClinVar's aggregate classification.
Comment: Please see associated publication for description of ethnicities

Literature cited by the submitters: PubMed 24728327 (cited by ITMI).

NM_170606.3(KMT2C):c.11528G>C (p.Gly3843Ala)

Genes: KMT2C (lysine methyltransferase 2C; minus strand), LOC129999675 (ATAC-STARR-seq lymphoblastoid active region 26876; plus strand). Cytogenetic location: 7q36.1.
Variant type: single nucleotide variant.
Coding change: c.11528G>C on transcript NM_170606.3 (MANE Select); coding-DNA position 11528, G replaced by C.
Protein change: p.Gly3843Ala; replaces glycine 3843 with alanine.
Molecular consequence: missense variant.
Genome position (GRCh38, 1-based): chr7:152,159,005, C>G on the plus strand (G>C on the coding strand, the complement: KMT2C is on the minus strand). VCF-style: chr7-152159005-C-G. GRCh37 (hg19) VCF-style: chr7-151856090-C-G.
Other names: c.11528G>C (NM_170606.2); short protein forms G3843A.
Identifiers: ClinVar variation 134804 (VCV000134804.11), dbSNP rs201952980, ClinGen allele CA160777.